The following continues an entry in ClinVar:

NM_000038.6(APC):c.3386T>C (p.Leu1129Ser)

Gene: APC. ClinVar aggregate classification (germline): Benign/Likely benign. Benign (14); Likely benign (7).

Submissions 24 to 32 of 32:

Biesecker Lab/Clinical Genomics Section, National Institutes of Health
Classification: Benign. Last evaluated: 2012-07-13. Review status: no assertion criteria provided. Collection method: research. Allele origin: germline. Affected: no. Observed: 6 variant alleles. Study: ClinSeq. Not counted in ClinVar's aggregate classification.
ClinVar note: Converted during submission from no known pathogenicity to Benign.

Clinical Genetics, Academic Medical Center
Classification: Likely benign. Review status: no assertion criteria provided. Collection method: clinical testing. Allele origin: germline. Affected: yes. Study: VKGL Data-share Consensus. Not counted in ClinVar's aggregate classification.

Department of Pathology and Laboratory Medicine, Sinai Health System
Classification: Benign for Carcinoma of colon. Review status: no assertion criteria provided. Collection method: clinical testing. Allele origin: unknown. Affected: yes. Study: The Canadian Open Genetics Repository (COGR). Not counted in ClinVar's aggregate classification.
Comment: The APC p.Leu1129Ser variant was identified in 8 of 5346 proband chromosomes (frequency: 0.001) from individuals or families with familial adenomatous polyposis, and was present at a similar (slightly higher) frequency in control chromosomes from healthy individuals (frequency: 0.003), suggesting that this variant may not have clinical significance. (Azzopardi 2008, Bodian 2014, Friedl 2005, Johnston 2012, Lefevre 2012, Plawski 2008, Scott2004, Zhou 2004). In addition, the variant was identified in several cohorts from the general population at subpolymorphic allelic frequencies, increasing the likelihood that this may be a low frequency benign variant (populations include: Exome Aggregation Consortium (ExAC) database (frequency: 0.0026 in Non-Finnish individuals), 1000 Genomes Project (frequency: 0.001), Exome Variant server Exome Sequencing Project (frequency: 0.0024)). The variant was also identified in dbSNP (ID: rs143638171), UMD (6X as a neutral variant), HGMD, COSMIC, InSiGHT Colon Cancer Gene Variant Database, the ClinVar database (classified as benign by Emory Genetics Laboratory, Biesecker Laboratory, and Ambry Genetics; classified as likely benign by GeneDX), and in the GeneInsight COGR database (classified as likely/suspected benign by two clinical laboratories). Conservation and in silico programs contradict the above information and suggest a possible impact to the protein; however this computational information is not predictive enough to assume pathogenicity. (The residue is conserved across mammals but not in all organisms including african clawed frog; four of five computational analyses (PolyPhen-2, SIFT, AlignGVGD, BLOSUM, MutationTaster) suggest that the variant may impact the protein; one of five in silico splicing prediction programs (SpliceSiteFinder, MaxEntScan, NNSPLICE, GeneSplicer, HumanSpliceFinder) predicts the creation of a potential 5â€šÃ„Ã´ splice site in the region of the variant, which is located outside of a known splicing consensus sequence). In summary, based on the above information, this variant meets our laboratory's criteria to be classified as benign.

Diagnostic Laboratory, Department of Genetics, University Medical Center Groningen
Classification: Likely benign. Review status: no assertion criteria provided. Collection method: clinical testing. Allele origin: germline. Affected: yes. Study: VKGL Data-share Consensus. Not counted in ClinVar's aggregate classification.

Genome Diagnostics Laboratory, Amsterdam University Medical Center
Classification: Likely benign. Review status: no assertion criteria provided. Collection method: clinical testing. Allele origin: germline. Affected: yes. Study: VKGL Data-share Consensus. Not counted in ClinVar's aggregate classification.

Genome Diagnostics Laboratory, University Medical Center Utrecht
Classification: Likely benign. Review status: no assertion criteria provided. Collection method: clinical testing. Allele origin: germline. Affected: yes. Study: VKGL Data-share Consensus. Not counted in ClinVar's aggregate classification.

Joint Genome Diagnostic Labs from Nijmegen and Maastricht, Radboudumc and MUMC+
Classification: Likely benign. Review status: no assertion criteria provided. Collection method: clinical testing. Allele origin: germline. Affected: yes. Study: VKGL Data-share Consensus. Not counted in ClinVar's aggregate classification.

Laboratory of Diagnostic Genome Analysis, Leiden University Medical Center (LUMC)
Classification: Likely benign. Review status: no assertion criteria provided. Collection method: clinical testing. Allele origin: germline. Affected: yes. Study: VKGL Data-share Consensus. Not counted in ClinVar's aggregate classification.

Genomic Diagnostic Laboratory, Division of Genomic Diagnostics, Children's Hospital of Philadelphia
Classification: Uncertain significance for Adenomatous polyposis coli. Last evaluated: 2015-04-14. Review status: flagged submission. Criteria: DGD Variant Analysis Guidelines. Collection method: clinical testing. Allele origin: unknown. Not counted in ClinVar's aggregate classification.
ClinVar note: Reason: Outlier claim with insufficient supporting evidence

Literature cited by the submitters: PubMed 15122587 (cited by Women's Health and Genetics/Laboratory Corporation of America, LabCorp); PubMed 20223039 (cited by Women's Health and Genetics/Laboratory Corporation of America, LabCorp); PubMed 25490678 (cited by Women's Health and Genetics/Laboratory Corporation of America, LabCorp); PubMed 20233475 (cited by Women's Health and Genetics/Laboratory Corporation of America, LabCorp); PubMed 24599579 (cited by Women's Health and Genetics/Laboratory Corporation of America, LabCorp); PubMed 18199528 (cited by Women's Health and Genetics/Laboratory Corporation of America, LabCorp); PubMed 21859464 (cited by Women's Health and Genetics/Laboratory Corporation of America, LabCorp); PubMed 24728327 (cited by ITMI).